The following is an entry in ClinVar:

ClinVar aggregate classification (germline): Uncertain significance. Review status: criteria provided, multiple submitters, no conflicts (2 of 4 stars). 2 submissions from 2 submitters: Uncertain significance (2). Last evaluated 2024-08-29.

Conditions:
Colorectal cancer, hereditary nonpolyposis, type 7. Identifiers: Orphanet 144, MedGen C1858380, MONDO:0013725, OMIM 614385.

gnomAD v4.1: 3 of 1,614,024 alleles (0.00019%); highest among the groups gnomAD compares: African/African-American, 0.004%; no homozygotes.

Submissions (2):

Labcorp Genetics (formerly Invitae), Labcorp
Classification: Uncertain significance for Colorectal cancer, hereditary nonpolyposis, type 7. Last evaluated: 2024-08-29. Review status: criteria provided, single submitter. Criteria: Invitae Variant Classification Sherloc (09022015). Collection method: clinical testing. Allele origin: germline.
Comment: This sequence change replaces glutamic acid, which is acidic and polar, with lysine, which is basic and polar, at codon 828 of the MLH3 protein (p.Glu828Lys). This variant is not present in population databases (gnomAD no frequency). This variant has not been reported in the literature in individuals affected with MLH3-related conditions. ClinVar contains an entry for this variant (Variation ID: 1791941). An algorithm developed to predict the effect of missense changes on protein structure and function outputs the following: PolyPhen-2: "Benign". The lysine amino acid residue is found in multiple mammalian species, which suggests that this missense change does not adversely affect protein function. In summary, the available evidence is currently insufficient to determine the role of this variant in disease. Therefore, it has been classified as a Variant of Uncertain Significance.

Ambry Genetics
Classification: Uncertain significance. Last evaluated: 2024-05-20. Review status: criteria provided, single submitter. Criteria: Ambry Variant Classification Scheme 2023. Collection method: clinical testing. Allele origin: germline.
Comment: The p.E828K variant (also known as c.2482G>A), located in coding exon 1 of the MLH3 gene, results from a G to A substitution at nucleotide position 2482. The glutamic acid at codon 828 is replaced by lysine, an amino acid with similar properties. This amino acid position is conserved. In addition, this alteration is predicted to be tolerated by in silico analysis. Since supporting evidence is limited at this time, the clinical significance of this alteration remains unclear.

NM_001040108.2(MLH3):c.2482G>A (p.Glu828Lys)

Gene: MLH3 (mutL homolog 3; minus strand). Cytogenetic location: 14q24.3.
Variant type: single nucleotide variant.
Coding change: c.2482G>A on transcript NM_001040108.2 (MANE Select); coding-DNA position 2482, G replaced by A.
Protein change: p.Glu828Lys; replaces glutamic acid 828 with lysine.
Molecular consequence: missense variant.
Genome position (GRCh38, 1-based): chr14:75,047,174, C>T on the plus strand (G>A on the coding strand, the complement: MLH3 is on the minus strand). VCF-style: chr14-75047174-C-T. GRCh37 (hg19) VCF-style: chr14-75513877-C-T.
Other names: c.2482G>A, p.Glu828Lys (NM_014381.3); short protein forms E828K.
Identifiers: ClinVar variation 1791941 (VCV001791941.5), dbSNP rs587776622, ClinGen allele CA390440248.